The following is an entry in ClinVar:

ClinVar aggregate classification (germline): Uncertain significance (1 of 4 stars; one submission).

Conditions:
COG5-congenital disorder of glycosylation. Also called: COG5-CDG; CONGENITAL DISORDER OF GLYCOSYLATION, TYPE IIi; CDG IIi. Identifiers: Orphanet 263487, MedGen C3150876, MONDO:0013325, OMIM 613612.

gnomAD v4.1: 1 of 1,603,752 alleles (0.000062%); highest among the groups gnomAD compares: Non-Finnish European, 0.000085%; no homozygotes.

Submission:

Labcorp Genetics (formerly Invitae), Labcorp
Classification: Uncertain significance for COG5-congenital disorder of glycosylation. Last evaluated: 2021-12-09. Review status: criteria provided, single submitter. Criteria: Invitae Variant Classification Sherloc (09022015). Collection method: clinical testing. Allele origin: germline.
Comment: This sequence change replaces histidine, which is basic and polar, with glutamine, which is neutral and polar, at codon 588 of the COG5 protein (p.His588Gln). In summary, the available evidence is currently insufficient to determine the role of this variant in disease. Therefore, it has been classified as a Variant of Uncertain Significance. Algorithms developed to predict the effect of missense changes on protein structure and function (SIFT, PolyPhen-2, Align-GVGD) all suggest that this variant is likely to be tolerated. This variant has not been reported in the literature in individuals affected with COG5-related conditions. This variant is not present in population databases (gnomAD no frequency).

NM_006348.5(COG5):c.1671C>A (p.His557Gln)

Genes: COG5 (component of oligomeric golgi complex 5; minus strand), LOC129389837 (MPRA-validated peak6677 silencer; plus strand). Cytogenetic location: 7q22.3.
Variant type: single nucleotide variant.
Coding change: c.1671C>A on transcript NM_006348.5 (MANE Select); coding-DNA position 1671, C replaced by A.
Protein change: p.His557Gln; replaces histidine 557 with glutamine.
Molecular consequence: missense variant. On other transcripts: intron variant (1).
Genome position (GRCh38, 1-based): chr7:107,258,288, G>T on the plus strand (C>A on the coding strand, the complement: COG5 is on the minus strand). VCF-style: chr7-107258288-G-T. GRCh37 (hg19) VCF-style: chr7-106898733-G-T.
Other names: c.1671C>A, p.His557Gln (NM_001161520.2, NM_001379513.1, NM_001379514.1 and 1 more transcripts); c.1509C>A, p.His503Gln (NM_001379511.1); c.1101C>A, p.His367Gln (NM_001379515.1); c.957C>A, p.His319Gln (NM_001379516.1); c.1576-9789C>A (NM_001379512.1); short protein forms H319Q, H503Q, H367Q, H557Q.
Identifiers: ClinVar variation 2039038 (VCV002039038.4), dbSNP rs2535977783, ClinGen allele CA368940923.
Genomic context (GRCh38, chr7:107,258,288, plus strand): 5'-GAAGAATTTAAAATTAAGTAAAAAAAAACTTAATAAAATAGTTACCTTTGTTACTGATTG[G>T]TGCAACTTATACAATGAATTCACTACTGCCACATTTCTTCTCTGTCCTTCAGTAAGAGGC-3'
Protein context (NP_006339.4, residues 547-567): VAVVNSLYKL[His557Gln]QSVTKVVSSQ